The following is an entry in ClinVar:

NM_001267550.2(TTN):c.24516C>T (p.Thr8172=)

Gene: TTN (titin; minus strand). Cytogenetic location: 2q31.2.
Variant type: single nucleotide variant.
Coding change: c.24516C>T on transcript NM_001267550.2 (MANE Select); coding-DNA position 24516, C replaced by T.
Protein change: p.Thr8172=; no amino-acid change (threonine 8172 retained).
Molecular consequence: synonymous variant. On other transcripts: intron variant (3).
Genome position (GRCh38, 1-based): chr2:178,718,590, G>A on the plus strand (C>T on the coding strand, the complement: TTN is on the minus strand). VCF-style: chr2-178718590-G-A. GRCh37 (hg19) VCF-style: chr2-179583317-G-A.
Other names: p.T6928T:ACC>ACT; p.Thr6928=; c.23565C>T, p.Thr7855= (NM_001256850.1); c.20784C>T, p.Thr6928= (NM_133378.4); c.13282+19492C>T (NM_003319.4); c.13858+19492C>T (NM_133437.4); c.13657+19492C>T (NM_133432.3).
Identifiers: ClinVar variation 46734 (VCV000046734.41), dbSNP rs72648978, ClinGen allele CA282892.

ClinVar aggregate classification (germline): Benign/Likely benign. Review status: criteria provided, multiple submitters, no conflicts (2 of 4 stars). 24 submissions from 17 submitters: Benign (20); Likely benign (2). 2 of the submissions do not count toward it. Last evaluated 2026-02-04.

Conditions:
Cardiovascular phenotype. Identifiers: MedGen CN230736.
Autosomal recessive limb-girdle muscular dystrophy type 2J (LGMDR10). Also called: Limb-girdle muscular dystrophy, type 2J; MUSCULAR DYSTROPHY, LIMB-GIRDLE, AUTOSOMAL RECESSIVE 10. Identifiers: Orphanet 140922, MedGen C1837342, MONDO:0012127, OMIM 608807.
Dilated cardiomyopathy 1G (CMD1G). Identifiers: Orphanet 154, MedGen C1858763, MONDO:0011400, OMIM 604145.
Early-onset myopathy with fatal cardiomyopathy (CMYO5). Also called: Salih Myopathy; CONGENITAL MYOPATHY 5 WITH CARDIOMYOPATHY. Identifiers: Orphanet 289377, MedGen C2673677, MONDO:0012714, OMIM 611705. Disease mechanism: loss of function.
Myopathy, myofibrillar, 9, with early respiratory failure (MFM9). Also called: Hereditary myopathy with early respiratory failure; EDSTROM MYOPATHY; MYOPATHY, PROXIMAL, WITH EARLY RESPIRATORY MUSCLE INVOLVEMENT; Myopathy, distal, with early respiratory failure, autosomal dominant. Identifiers: Orphanet 178464, Orphanet 34521, MedGen C1863599, MONDO:0011362, OMIM 603689.
Tibial muscular dystrophy (TMD). Also called: UDD MYOPATHY; Udd Distal Myopathy – Tibial Muscular Dystrophy; Tibial muscular dystrophy, tardive. Identifiers: Orphanet 609, MedGen C1838244, MONDO:0010870, OMIM 600334.

Allele frequency attached by ClinVar (database versions not stated): 1000 Genomes Project 30x 0.07199; 1000 Genomes Project 0.07348; TOPMed 0.08459; gnomAD 0.08958 and 0.08964; ExAC 0.08972; ESP Exome Variant Server 0.09811.
gnomAD v4.1: 165,527 of 1,611,740 alleles (10%); highest among the groups gnomAD compares: Non-Finnish European, 11%; 8,963 homozygotes.

Submissions (24):

Labcorp Genetics (formerly Invitae), Labcorp
Classification: Benign for Dilated cardiomyopathy 1G; Autosomal recessive limb-girdle muscular dystrophy type 2J. Last evaluated: 2026-02-04. Review status: criteria provided, single submitter. Criteria: Invitae Variant Classification Sherloc (09022015). Collection method: clinical testing. Allele origin: germline.

Molecular Diagnostic Laboratory for Inherited Cardiovascular Disease, Montreal Heart Institute
Classification: Benign. Last evaluated: 2025-04-09. Review status: criteria provided, single submitter. Criteria: ACMG Guidelines, 2015. Collection method: clinical testing. Allele origin: germline. Affected: no.

Blueprint Genetics
Classification: Benign. Last evaluated: 2024-11-26. Review status: criteria provided, single submitter. Criteria: ACMG Guidelines, 2015. Collection method: clinical testing. Allele origin: germline.

Genome-Nilou Lab
Classification: Benign for Autosomal recessive limb-girdle muscular dystrophy type 2J. Last evaluated: 2021-09-10. Review status: criteria provided, single submitter. Criteria: ACMG Guidelines, 2015. Collection method: clinical testing. Allele origin: germline. Affected: no.

Genome-Nilou Lab
Classification: Benign for Myopathy, myofibrillar, 9, with early respiratory failure. Last evaluated: 2021-09-10. Review status: criteria provided, single submitter. Criteria: ACMG Guidelines, 2015. Collection method: clinical testing. Allele origin: germline. Affected: no.

Genome-Nilou Lab
Classification: Benign for Early-onset myopathy with fatal cardiomyopathy. Last evaluated: 2021-09-10. Review status: criteria provided, single submitter. Criteria: ACMG Guidelines, 2015. Collection method: clinical testing. Allele origin: germline. Affected: no.

Genome-Nilou Lab
Classification: Benign for Tibial muscular dystrophy. Last evaluated: 2021-09-10. Review status: criteria provided, single submitter. Criteria: ACMG Guidelines, 2015. Collection method: clinical testing. Allele origin: germline. Affected: no.

Women's Health and Genetics/Laboratory Corporation of America, LabCorp
Classification: Benign. Last evaluated: 2019-08-09. Review status: criteria provided, single submitter. Criteria: LabCorp Variant Classification Summary - May 2015. Collection method: clinical testing. Allele origin: germline.

Athena Diagnostics
Classification: Benign. Last evaluated: 2018-06-21. Review status: criteria provided, single submitter. Criteria: Athena Diagnostics Criteria. Collection method: clinical testing. Allele origin: germline.

Illumina Laboratory Services, Illumina
Classification: Benign for Tibial muscular dystrophy. Last evaluated: 2018-01-13. Review status: criteria provided, single submitter. Criteria: ICSL Variant Classification Criteria 13 December 2019. Collection method: clinical testing. Allele origin: germline.
Comment: This variant was observed in the ICSL laboratory as part of a predisposition screen in an ostensibly healthy population. It had not been previously curated by ICSL or reported in the Human Gene Mutation Database (HGMD: prior to June 1st, 2018), and was therefore a candidate for classification through an automated scoring system. Utilizing variant allele frequency, disease prevalence and penetrance estimates, and inheritance mode, an automated score was calculated to assess if this variant is too frequent to cause the disease. Based on the score and internal cut-off values, a variant classified as benign is not then subjected to further curation. The score for this variant resulted in a classification of benign for this disease.

Illumina Laboratory Services, Illumina
Classification: Benign for Early-onset myopathy with fatal cardiomyopathy. Last evaluated: 2018-01-13. Review status: criteria provided, single submitter. Criteria: ICSL Variant Classification Criteria 13 December 2019. Collection method: clinical testing. Allele origin: germline.
Comment: the same text as in the submission from Illumina Laboratory Services, Illumina above.

Illumina Laboratory Services, Illumina
Classification: Benign for Myopathy, myofibrillar, 9, with early respiratory failure. Last evaluated: 2018-01-13. Review status: criteria provided, single submitter. Criteria: ICSL Variant Classification Criteria 13 December 2019. Collection method: clinical testing. Allele origin: germline.
Comment: the same text as in the submission from Illumina Laboratory Services, Illumina above.

Illumina Laboratory Services, Illumina
Classification: Benign for Autosomal recessive limb-girdle muscular dystrophy type 2J. Last evaluated: 2018-01-13. Review status: criteria provided, single submitter. Criteria: ICSL Variant Classification Criteria 13 December 2019. Collection method: clinical testing. Allele origin: germline.
Comment: the same text as in the submission from Illumina Laboratory Services, Illumina above.

Illumina Laboratory Services, Illumina
Classification: Likely benign for Dilated cardiomyopathy 1G. Last evaluated: 2018-01-13. Review status: criteria provided, single submitter. Criteria: ICSL Variant Classification Criteria 13 December 2019. Collection method: clinical testing. Allele origin: germline.
Comment: This variant was observed in the ICSL laboratory as part of a predisposition screen in an ostensibly healthy population. It had not been previously curated by ICSL or reported in the Human Gene Mutation Database (HGMD: prior to June 1st, 2018), and was therefore a candidate for classification through an automated scoring system. Utilizing variant allele frequency, disease prevalence and penetrance estimates, and inheritance mode, an automated score was calculated to assess if this variant is too frequent to cause the disease. Based on the score and internal cut-off values, a variant classified as likely benign is not then subjected to further curation. The score for this variant resulted in a classification of likely benign for this disease.

Mayo Clinic Laboratories, Mayo Clinic
Classification: Benign. Last evaluated: 2017-07-25. Review status: criteria provided, single submitter. Criteria: ACMG Guidelines, 2015. Collection method: clinical testing. Allele origin: germline. Observed: 453 variant alleles.

Ambry Genetics
Classification: Benign for Cardiovascular phenotype. Last evaluated: 2015-10-22. Review status: criteria provided, single submitter. Criteria: Ambry Variant Classification Scheme 2023. Collection method: clinical testing. Allele origin: germline.

Eurofins Ntd Llc (ga)
Classification: Benign. Last evaluated: 2014-06-27. Review status: criteria provided, single submitter. Criteria: EGL Classification Definitions 2015. Collection method: clinical testing. Allele origin: germline. Observed: 3 variant alleles, 3 heterozygotes.

Genetic Services Laboratory, University of Chicago
Classification: Benign for AllHighlyPenetrant. Last evaluated: 2013-08-15. Review status: criteria provided, single submitter. Criteria: ACMG Guidelines, 2007. Collection method: clinical testing. Allele origin: germline.

GeneDx
Classification: Benign. Last evaluated: 2012-11-01. Review status: criteria provided, single submitter. Criteria: GeneDx Variant Classification (06012015). Collection method: clinical testing. Allele origin: germline. Affected: yes.
Comment: This variant is considered likely benign or benign based on one or more of the following criteria: it is a conservative change, it occurs at a poorly conserved position in the protein, it is predicted to be benign by multiple in silico algorithms, and/or has population frequency not consistent with disease.

Laboratory for Molecular Medicine, Mass General Brigham Personalized Medicine
Classification: Benign. Last evaluated: 2012-04-11. Review status: criteria provided, single submitter. Criteria: LMM Criteria. Collection method: clinical testing. Allele origin: germline. Observed: 343 variant alleles.

Breakthrough Genomics
Classification: Likely benign. Review status: criteria provided, single submitter. Criteria: ACMG Guidelines, 2015. Collection method: not provided. Allele origin: germline. Inheritance: Autosomal recessive inheritance. Affected: yes.

PreventionGenetics, part of Exact Sciences
Classification: Benign. Review status: criteria provided, single submitter. Criteria: ACMG Guidelines, 2015. Collection method: clinical testing. Allele origin: germline.

Clinical Genetics DNA and cytogenetics Diagnostics Lab, Erasmus MC, Erasmus Medical Center
Classification: Benign. Review status: no assertion criteria provided. Collection method: clinical testing. Allele origin: germline. Affected: yes. Study: VKGL Data-share Consensus. Not counted in ClinVar's aggregate classification.

Clinical Genetics, Academic Medical Center
Classification: Benign. Review status: no assertion criteria provided. Collection method: clinical testing. Allele origin: germline. Affected: yes. Study: VKGL Data-share Consensus. Not counted in ClinVar's aggregate classification.